The following is an entry in ClinVar:

NM_006129.5(BMP1):c.2580C>T (p.Cys860=)

Gene: BMP1 (bone morphogenetic protein 1; plus strand). Cytogenetic location: 8p21.3.
Variant type: single nucleotide variant.
Coding change: c.2580C>T on transcript NM_006129.5 (MANE Select); coding-DNA position 2580, C replaced by T.
Protein change: p.Cys860=; no amino-acid change (cysteine 860 retained).
Molecular consequence: synonymous variant. On other transcripts: non-coding transcript variant (1).
Genome position (GRCh38, 1-based): chr8:22,209,449, C>T. VCF-style: chr8-22209449-C-T. GRCh37 (hg19) VCF-style: chr8-22066962-C-T.
Identifiers: ClinVar variation 2893148 (VCV002893148.4), dbSNP rs372744146, ClinGen allele CA4665317.

ClinVar aggregate classification (germline): Likely benign. Review status: criteria provided, multiple submitters, no conflicts (2 of 4 stars). 2 submissions from 2 submitters: Likely benign (2). Last evaluated 2026-07-01.

Allele frequency attached by ClinVar (database versions not stated): ExAC 0.00001; gnomAD exomes 0.00001; TOPMed 0.00001; gnomAD 0.00002; ESP Exome Variant Server 0.00008.
gnomAD v4.1: 22 of 1,613,906 alleles (0.0014%); highest among the groups gnomAD compares: East Asian, 0.0022%; no homozygotes.

Submissions (2):

CeGaT Center for Human Genetics Tuebingen
Classification: Likely benign. Last evaluated: 2026-07-01. Review status: criteria provided, single submitter. Criteria: CeGaT Center For Human Genetics Tuebingen Variant Classification Criteria Version 2. Collection method: clinical testing. Allele origin: germline. Affected: yes. Observed: 1 variant allele.
Comment: BMP1: BP4, BP7

Labcorp Genetics (formerly Invitae), Labcorp
Classification: Likely benign. Last evaluated: 2024-02-09. Review status: criteria provided, single submitter. Criteria: Invitae Variant Classification Sherloc (09022015). Collection method: clinical testing. Allele origin: germline.